The following is an entry in ClinVar:

ClinVar aggregate classification (germline): Conflicting classifications of pathogenicity. Review status: criteria provided, conflicting classifications (1 of 4 stars). 3 submissions from 3 submitters: Uncertain significance (2); Likely benign (1). Last evaluated 2024-10-29.

Conditions:
Hereditary cancer-predisposing syndrome. Also called: Neoplastic Syndromes, Hereditary; Tumor predisposition; Hereditary Cancer Syndrome; Hereditary neoplastic syndrome. Identifiers: Orphanet 140162, MedGen C0027672, MeSH D009386, MONDO:0015356.

Submissions (3):

Color Diagnostics, LLC DBA Color Health
Classification: Uncertain significance for Hereditary cancer-predisposing syndrome. Last evaluated: 2024-10-29. Review status: criteria provided, single submitter. Criteria: ACMG Guidelines, 2015. Collection method: clinical testing. Allele origin: germline.
Comment: This missense variant replaces histidine with arginine at codon 1326 of the BRCA1 protein. Computational prediction is inconclusive regarding the impact of this variant on protein structure and function. To our knowledge, functional studies have not been reported for this variant. This variant has not been reported in individuals affected with BRCA1-related disorders in the literature. This variant has not been identified in the general population by the Genome Aggregation Database (gnomAD). The available evidence is insufficient to determine the role of this variant in disease conclusively. Therefore, this variant is classified as a Variant of Uncertain Significance.

University of Washington Department of Laboratory Medicine, University of Washington
Classification: Likely benign for Hereditary cancer-predisposing syndrome. Last evaluated: 2023-03-23. Review status: criteria provided, single submitter. Criteria: Dines et al. (Genet Med. 2020). Collection method: curation. Allele origin: germline.
Comment: Missense variant in a coldspot region where missense variants are very unlikely to be pathogenic (PMID:31911673).

BRCA1 coldspot (exon 11 using historical exon numbering). Reclassification based on statistical prior probability

Ambry Genetics
Classification: Uncertain significance for Hereditary cancer-predisposing syndrome. Last evaluated: 2020-01-02. Review status: criteria provided, single submitter. Criteria: Ambry Variant Classification Scheme 2023. Collection method: clinical testing. Allele origin: germline.
Comment: The p.H1326R variant (also known as c.3977A>G), located in coding exon 9 of the BRCA1 gene, results from an A to G substitution at nucleotide position 3977. The histidine at codon 1326 is replaced by arginine, an amino acid with highly similar properties. This amino acid position is not well conserved in available vertebrate species. In addition, the in silico prediction for this alteration is inconclusive. Since supporting evidence is limited at this time, the clinical significance of this alteration remains unclear.

NM_007294.4(BRCA1):c.3977A>G (p.His1326Arg)

Genes: BRCA1 (BRCA1 DNA repair associated; minus strand), LOC126862571 (BRD4-independent group 4 enhancer GRCh37_chr17:41243136-41244335; plus strand). Cytogenetic location: 17q21.31.
Variant type: single nucleotide variant.
Coding change: c.3977A>G on transcript NM_007294.4 (MANE Select); coding-DNA position 3977, A replaced by G.
Protein change: p.His1326Arg; replaces histidine 1326 with arginine.
Molecular consequence: missense variant. On other transcripts: intron variant (135).
Genome position (GRCh38, 1-based): chr17:43,091,554, T>C on the plus strand (A>G on the coding strand, the complement: BRCA1 is on the minus strand). VCF-style: chr17-43091554-T-C. GRCh37 (hg19) VCF-style: chr17-41243571-T-C.
Other names: c.3851A>G, p.His1284Arg (NM_001407672.1, NM_001407673.1, NM_001407685.1 and 11 more transcripts); c.3854A>G, p.His1285Arg (NM_001407674.1, NM_001407675.1, NM_001407676.1 and 19 more transcripts); c.3977A>G, p.His1326Arg (NM_001407684.1, NM_001407854.1, NM_001407858.1 and 30 more transcripts); c.3836A>G, p.His1279Arg (NM_001407692.1, NM_001407694.1, NM_001407695.1 and 29 more transcripts); c.3833A>G, p.His1278Arg (NM_001407740.1, NM_001407741.1, NM_001407742.1 and 20 more transcripts); c.3764A>G, p.His1255Arg (NM_001407853.1, NM_001407894.1, NM_001407895.1 and 9 more transcripts); c.3974A>G, p.His1325Arg (NM_001407860.1, NM_001407861.1, NM_001407587.1 and 22 more transcripts); c.3776A>G, p.His1259Arg (NM_001407862.1); and 41 more; short protein forms H1158R, H1214R, H1299R, H1323R, H458R, H1198R, H1199R, H1215R.
Identifiers: ClinVar variation 1736654 (VCV001736654.5), dbSNP rs2154271631, ClinGen allele CA10594011.
Genomic context (GRCh38, chr17:43,091,554, plus strand): 5'-TCTTCATCATCTGAAACCAATTCCTTGTCACTCAGACCAACTCCCTGGCTTTCAGACTGA[T>C]GCCTCATTTGTTTGGAAGAACCAATCAAGAAAGGATCCTGGGTGTTTGTATTTGCAGTCA-3'
Protein context (NP_009225.1, residues 1316-1336): FLIGSSKQMR[His1326Arg]QSESQGVGLS